The following is an entry in ClinVar:

NM_138272.3(MPIG6B):c.621G>T (p.Pro207=)

Gene: MPIG6B (megakaryocyte and platelet inhibitory receptor G6b; plus strand). Cytogenetic location: 6p21.33.
Variant type: single nucleotide variant.
Coding change: c.621G>T on transcript NM_138272.3 (MANE Select); coding-DNA position 621, G replaced by T.
Protein change: p.Pro207=; no amino-acid change (proline 207 retained).
Molecular consequence: synonymous variant. On other transcripts: nonsense (2), missense variant (1).
Genome position (GRCh38, 1-based): chr6:31,724,844, G>T. VCF-style: chr6-31724844-G-T. GRCh37 (hg19) VCF-style: chr6-31692621-G-T.
Other names: p.Glu214*; c.640G>T, p.Glu214Ter (NM_025260.4); c.549G>T, p.Pro183= (NM_138273.3); c.508G>T, p.Glu170Ter (NM_138274.3); c.489G>T, p.Pro163= (NM_138275.3); c.640G>T, p.Gly214Cys (NM_138277.3); c.640G>T (NM_025260.3); short protein forms E170*, E214*, G214C.
Identifiers: ClinVar variation 988872 (VCV000988872.2), dbSNP rs147600887, ClinGen allele CA3720433.

ClinVar aggregate classification (germline): Uncertain significance. Review status: criteria provided, single submitter (1 of 4 stars). 2 submissions from 2 submitters: Uncertain significance (1). 1 of the submissions does not count toward it. Last evaluated 2023-09-27.

Conditions:
Abnormal bleeding. Also called: Bleeding diathesis. Identifiers: MedGen C1458140, HP:0001892.
Thrombocytopenia. Identifiers: MedGen C0040034, MeSH D013921, MONDO:0002049, HP:0001873.

Allele frequency attached by ClinVar (database versions not stated): ESP Exome Variant Server 0.00008; TOPMed 0.00009.
gnomAD v4.1: 259 of 1,613,774 alleles (0.016%); highest among the groups gnomAD compares: Non-Finnish European, 0.019%; no homozygotes.

Submissions (2):

Mayo Clinic Laboratories, Mayo Clinic
Classification: Uncertain significance. Last evaluated: 2023-09-27. Review status: criteria provided, single submitter. Criteria: ACMG Guidelines, 2015. Collection method: clinical testing. Allele origin: germline. Observed: 1 variant allele.
Comment: PVS1_moderate

Birmingham Platelet Group; University of Birmingham
Classification: Uncertain significance for Thrombocytopenia; Abnormal bleeding. Last evaluated: 2020-05-01. Review status: no assertion criteria provided. Collection method: research. Allele origin: germline. Affected: yes. Not counted in ClinVar's aggregate classification.